The following is an entry in ClinVar:

ClinVar aggregate classification (germline): Benign. Review status: criteria provided, multiple submitters, no conflicts (2 of 4 stars). 4 submissions from 4 submitters: Benign (4). Last evaluated 2021-05-06.

Conditions:
White sponge nevus 2 (WSN2). Identifiers: MedGen C4014321, MONDO:0014346, OMIM 615785.

Allele frequency attached by ClinVar (database versions not stated): ESP Exome Variant Server 0.00046; gnomAD 0.00471 and 0.00469; TOPMed 0.00755; gnomAD exomes 0.00822 and 0.00182; ExAC 0.00521; 1000 Genomes Project 0.00619; 1000 Genomes Project 30x 0.00781.

Submissions (4):

GeneDx
Classification: Benign. Last evaluated: 2021-05-06. Review status: criteria provided, single submitter. Criteria: GeneDx Variant Classification Process June 2021. Collection method: clinical testing. Allele origin: germline. Affected: yes.

Labcorp Genetics (formerly Invitae), Labcorp
Classification: Benign. Last evaluated: 2019-12-31. Review status: criteria provided, single submitter. Criteria: Invitae Variant Classification Sherloc (09022015). Collection method: clinical testing. Allele origin: germline.

Illumina Laboratory Services, Illumina
Classification: Benign for White sponge nevus 2. Last evaluated: 2018-01-12. Review status: criteria provided, single submitter. Criteria: ICSL Variant Classification Criteria 13 December 2019. Collection method: clinical testing. Allele origin: germline.
Comment: This variant was observed in the ICSL laboratory as part of a predisposition screen in an ostensibly healthy population. It had not been previously curated by ICSL or reported in the Human Gene Mutation Database (HGMD: prior to June 1st, 2018), and was therefore a candidate for classification through an automated scoring system. Utilizing variant allele frequency, disease prevalence and penetrance estimates, and inheritance mode, an automated score was calculated to assess if this variant is too frequent to cause the disease. Based on the score and internal cut-off values, a variant classified as benign is not then subjected to further curation. The score for this variant resulted in a classification of benign for this disease.

Breakthrough Genomics
Classification: Benign. Review status: criteria provided, single submitter. Criteria: ACMG Guidelines, 2015. Collection method: not provided. Allele origin: germline. Inheritance: Autosomal dominant inheritance. Affected: yes.

NM_153490.3(KRT13):c.735+6C>T

Gene: KRT13 (keratin 13; minus strand). Cytogenetic location: 17q21.2.
Variant type: single nucleotide variant.
Coding change: c.735+6C>T on transcript NM_153490.3 (MANE Select); 6 bases into the intron after coding-DNA position 735, C replaced by T.
Molecular consequence: intron variant.
Genome position (GRCh38, 1-based): chr17:41,503,281, G>A on the plus strand (C>T on the coding strand, the complement: KRT13 is on the minus strand). VCF-style: chr17-41503281-G-A. GRCh37 (hg19) VCF-style: chr17-39659533-G-A.
Other names: c.735+6C>T (NM_002274.4).
Identifiers: ClinVar variation 323094 (VCV000323094.12), dbSNP rs181122697, ClinGen allele CA8560679.